The following is an entry in ClinVar:

ClinVar aggregate classification (germline): Uncertain significance. Review status: criteria provided, multiple submitters, no conflicts (2 of 4 stars). 2 submissions from 2 submitters: Uncertain significance (2). Last evaluated 2025-08-14.

Conditions:
Inborn genetic diseases. Identifiers: MedGen C0950123, MeSH D030342.

Allele frequency attached by ClinVar (database versions not stated): TOPMed below 0.00001; ExAC 0.00001; gnomAD 0.00001; gnomAD exomes 0.00001.
gnomAD v4.1: 4 of 1,613,476 alleles (0.00025%); highest among the groups gnomAD compares: Admixed American, 0.0033%; no homozygotes.

Submissions (2):

Ambry Genetics
Classification: Uncertain significance for Inborn genetic diseases. Last evaluated: 2025-08-14. Review status: criteria provided, single submitter. Criteria: Ambry Variant Classification Scheme 2023. Collection method: clinical testing. Allele origin: germline.

GeneDx
Classification: Uncertain significance. Last evaluated: 2022-11-07. Review status: criteria provided, single submitter. Criteria: GeneDx Variant Classification Process June 2021. Collection method: clinical testing. Allele origin: germline. Affected: yes.
Comment: Not observed at significant frequency in large population cohorts (gnomAD); In silico analysis supports that this missense variant does not alter protein structure/function; Has not been previously published as pathogenic or benign to our knowledge

NM_003922.4(HERC1):c.4505G>A (p.Ser1502Asn)

Gene: HERC1 (HECT and RLD domain containing E3 ubiquitin protein ligase family member 1; minus strand). Cytogenetic location: 15q22.31.
Variant type: single nucleotide variant.
Coding change: c.4505G>A on transcript NM_003922.4 (MANE Select); coding-DNA position 4505, G replaced by A.
Protein change: p.Ser1502Asn; replaces serine 1502 with asparagine.
Molecular consequence: missense variant.
Genome position (GRCh38, 1-based): chr15:63,712,854, C>T on the plus strand (G>A on the coding strand, the complement: HERC1 is on the minus strand). VCF-style: chr15-63712854-C-T. GRCh37 (hg19) VCF-style: chr15-64005053-C-T.
Other names: short protein forms S1502N.
Identifiers: ClinVar variation 2501508 (VCV002501508.2), dbSNP rs768355016, ClinGen allele CA7605778.